The following is an entry in ClinVar:

ClinVar aggregate classification (germline): Uncertain significance (1 of 4 stars; one submission).

Conditions:
Hypertrophic cardiomyopathy. Also called: HYPERTROPHIC MYOCARDIOPATHY. Identifiers: Orphanet 217569, MedGen C0007194, MeSH D002312, MONDO:0005045, HP:0001639.

Submission:

Labcorp Genetics (formerly Invitae), Labcorp
Classification: Uncertain significance for Hypertrophic cardiomyopathy. Last evaluated: 2022-12-11. Review status: criteria provided, single submitter. Criteria: Invitae Variant Classification Sherloc (09022015). Collection method: clinical testing. Allele origin: germline.
Comment: This sequence change replaces tyrosine, which is neutral and polar, with asparagine, which is neutral and polar, at codon 283 of the MYH7 protein (p.Tyr283Asn). This variant is not present in population databases (gnomAD no frequency). This variant has not been reported in the literature in individuals affected with MYH7-related conditions. Advanced modeling of protein sequence and biophysical properties (such as structural, functional, and spatial information, amino acid conservation, physicochemical variation, residue mobility, and thermodynamic stability) performed at Invitae indicates that this missense variant is expected to disrupt MYH7 protein function. In summary, the available evidence is currently insufficient to determine the role of this variant in disease. Therefore, it has been classified as a Variant of Uncertain Significance.

NM_000257.4(MYH7):c.847T>A (p.Tyr283Asn)

Gene: MYH7 (myosin heavy chain 7; minus strand). Cytogenetic location: 14q11.2.
Variant type: single nucleotide variant.
Coding change: c.847T>A on transcript NM_000257.4 (MANE Select); coding-DNA position 847, T replaced by A.
Protein change: p.Tyr283Asn; replaces tyrosine 283 with asparagine.
Molecular consequence: missense variant.
Genome position (GRCh38, 1-based): chr14:23,430,949, A>T on the plus strand (T>A on the coding strand, the complement: MYH7 is on the minus strand). VCF-style: chr14-23430949-A-T. GRCh37 (hg19) VCF-style: chr14-23900158-A-T.
Other names: c.847T>A, p.Tyr283Asn (NM_001407004.1); short protein forms Y283N.
Identifiers: ClinVar variation 2820109 (VCV002820109.3), dbSNP rs397515482, ClinGen allele CA389051915.